The following is an entry in ClinVar:

ClinVar aggregate classification (germline): Likely pathogenic (1 of 4 stars; one submission).

Conditions:
ZTTK syndrome (ZTTKS). Also called: Zhu-Tokita-Takenouchi-Kim Syndrome; ZTTK MULTIPLE CONGENITAL ANOMALIES-MENTAL RETARDATION SYNDROME. Identifiers: Orphanet 500150, MedGen C4310696, MONDO:0014936, OMIM 617140.

Submission:

3billion
Classification: Likely pathogenic for ZTTK syndrome. Last evaluated: 2022-05-22. Review status: criteria provided, single submitter. Criteria: ACMG Guidelines, 2015. Collection method: clinical testing. Allele origin: germline. Affected: yes. Observed: 1 heterozygote.
Comment: The variant is not observed in the gnomAD v2.1.1 dataset. Frameshift: predicted to result in a loss or disruption of normal protein function through nonsense-mediated decay (NMD) or protein truncation. Multiple pathogenic variants are reported downstream of the variant. Therefore, this variant is classified as likely pathogenic according to the recommendation of ACMG/AMP guideline.

NM_138927.4(SON):c.4012_4013insCAGAA (p.Val1338fs)

Gene: SON (SON DNA and RNA binding protein; plus strand). Cytogenetic location: 21q22.11.
Variant type: Insertion.
Coding change: c.4012_4013insCAGAA on transcript NM_138927.4 (MANE Select); coding-DNA positions 4012 to 4013, CAGAA inserted.
Protein change: p.Val1338fs; shifts the reading frame from valine 1338.
Molecular consequence: frameshift variant. On other transcripts: non-coding transcript variant (1), intron variant (1).
Genome position: GRCh38 VCF-style: chr21-33553243-G-GCAGAA. GRCh37 (hg19) VCF-style: chr21-34925549-G-GCAGAA.
Other names: c.4012_4013insCAGAA, p.Val1338fs (NM_001291411.2, NM_032195.3); c.245-3913_245-3912insCAGAA (NM_001291412.3); short protein forms V1338fs.
Identifiers: ClinVar variation 1687450 (VCV001687450.1), dbSNP rs2145831490, ClinGen allele CA2573157400.
Genomic context (GRCh38, chr21:33,553,243, plus strand): 5'-TCAGGACATGTTGCCTCAGAAGTATCTACATCCTTGTTGGTTCCAGCAGTAACTACTCCA[G>GCAGAA]TGCTGGCAGAGAGCATTCTGGAGCCGCCAGCCATGGCTGCCCCAGAGTCTTCAGCTATGG-3'